The following is an entry in ClinVar:

NM_000051.4(ATM):c.279G>A (p.Lys93=)

Gene: ATM (ATM serine/threonine kinase; plus strand). Cytogenetic location: 11q22.3.
Variant type: single nucleotide variant.
Coding change: c.279G>A on transcript NM_000051.4 (MANE Select); coding-DNA position 279, G replaced by A.
Protein change: p.Lys93=; no amino-acid change (lysine 93 retained).
Molecular consequence: synonymous variant.
Genome position (GRCh38, 1-based): chr11:108,229,271, G>A. VCF-style: chr11-108229271-G-A. GRCh37 (hg19) VCF-style: chr11-108099998-G-A.
Other names: c.279G>A, p.Lys93= (NM_001351834.2, NM_001351835.2, NM_001351836.2).
Identifiers: ClinVar variation 414573 (VCV000414573.16), dbSNP rs368196317, ClinGen allele CA6264545.

ClinVar aggregate classification (germline): Conflicting classifications of pathogenicity. Review status: criteria provided, conflicting classifications (1 of 4 stars). 4 submissions from 4 submitters: Uncertain significance (1); Benign (1); Likely benign (2). Last evaluated 2024-04-18.

Conditions:
Hereditary cancer-predisposing syndrome. Also called: Tumor predisposition; Neoplastic Syndromes, Hereditary; Hereditary Cancer Syndrome; Hereditary neoplastic syndrome. Identifiers: Orphanet 140162, MedGen C0027672, MeSH D009386, MONDO:0015356.
Familial cancer of breast. Also called: Hereditary breast cancer; BREAST CANCER, FAMILIAL; hereditary breast carcinoma. Identifiers: Orphanet 227535, MedGen C0346153, MONDO:0016419, OMIM 114480. Disease mechanism: loss of function.
Ataxia-telangiectasia syndrome (AT). Also called: Ataxia-telangiectasia; Cerebello-oculocutaneous telangiectasia; Immunodeficiency with ataxia telangiectasia; ATAXIA-TELANGIECTASIA, COMPLEMENTATION GROUP A; ATAXIA-TELANGIECTASIA, FRESNO VARIANT; Ataxia-telangiectasia, complementation group D. Identifiers: Orphanet 100, MedGen C0004135, MONDO:0008840, OMIM 208900.

Allele frequency attached by ClinVar (database versions not stated): ESP Exome Variant Server 0.00008; gnomAD exomes below 0.00001; ExAC 0.00001.

Submissions (4):

Myriad Genetics, Inc.
Classification: Benign for Familial cancer of breast. Last evaluated: 2024-04-18. Review status: criteria provided, single submitter. Criteria: Myriad Autosomal Dominant, Autosomal Recessive and X-Linked Classification Criteria (2023). Collection method: clinical testing. Allele origin: unknown.
Comment: This variant is considered benign. This variant is a silent/synonymous amino acid change and it is not expected to impact splicing.

Labcorp Genetics (formerly Invitae), Labcorp
Classification: Likely benign for Ataxia-telangiectasia syndrome. Last evaluated: 2024-03-06. Review status: criteria provided, single submitter. Criteria: Invitae Variant Classification Sherloc (09022015). Collection method: clinical testing. Allele origin: germline.

GeneDx
Classification: Uncertain significance. Last evaluated: 2019-10-18. Review status: criteria provided, single submitter. Criteria: GeneDx Variant Classification Process June 2021. Collection method: clinical testing. Allele origin: germline. Affected: yes.
Comment: Not observed at a significant frequency in large population cohorts (Lek 2016); In silico analysis, which includes splice predictors and evolutionary conservation, supports that this variant does not alter protein structure/function; Has not been previously published as pathogenic or benign to our knowledge

Ambry Genetics
Classification: Likely benign for Hereditary cancer-predisposing syndrome. Last evaluated: 2015-12-12. Review status: criteria provided, single submitter. Criteria: Ambry Variant Classification Scheme 2023. Collection method: clinical testing. Allele origin: germline.